The following is an entry in ClinVar:

NM_003128.3(SPTBN1):c.5516T>C (p.Val1839Ala)

Gene: SPTBN1 (spectrin beta, non-erythrocytic 1; plus strand). Cytogenetic location: 2p16.2.
Variant type: single nucleotide variant.
Coding change: c.5516T>C on transcript NM_003128.3 (MANE Select); coding-DNA position 5516, T replaced by C.
Protein change: p.Val1839Ala; replaces valine 1839 with alanine.
Molecular consequence: missense variant.
Genome position (GRCh38, 1-based): chr2:54,649,928, T>C. VCF-style: chr2-54649928-T-C. GRCh37 (hg19) VCF-style: chr2-54877065-T-C.
Other names: c.5477T>C, p.Val1826Ala (NM_178313.3); short protein forms V1826A, V1839A.
Identifiers: ClinVar variation 3027213 (VCV003027213.22), dbSNP rs2549563120, ClinGen allele CA346908704.

ClinVar aggregate classification (germline): Uncertain significance (1 of 4 stars; one submission).

Submission:

CeGaT Center for Human Genetics Tuebingen
Classification: Uncertain significance. Last evaluated: 2024-02-01. Review status: criteria provided, single submitter. Criteria: CeGaT Center For Human Genetics Tuebingen Variant Classification Criteria Version 2. Collection method: clinical testing. Allele origin: germline. Affected: yes. Observed: 1 variant allele.
Comment: SPTBN1: PM2